The following is an entry in ClinVar:

ClinVar aggregate classification (germline): Uncertain significance. Review status: criteria provided, multiple submitters, no conflicts (2 of 4 stars). 3 submissions from 3 submitters: Uncertain significance (3). Last evaluated 2022-11-15.

Conditions:
PHARC syndrome. Also called: Polyneuropathy-hearing loss-ataxia-retinitis pigmentosa-cataract syndrome. Identifiers: Orphanet 171848, MedGen C2675204, MONDO:0012984, OMIM 612674.

Allele frequency attached by ClinVar (database versions not stated): TOPMed 0.00002; gnomAD exomes 0.00004; ExAC 0.00005; ESP Exome Variant Server 0.00015.
gnomAD v4.1: 25 of 1,609,236 alleles (0.0016%); highest among the groups gnomAD compares: Non-Finnish European, 0.00017%; no homozygotes.

Submissions (3):

Labcorp Genetics (formerly Invitae), Labcorp
Classification: Uncertain significance. Last evaluated: 2022-11-15. Review status: criteria provided, single submitter. Criteria: Invitae Variant Classification Sherloc (09022015). Collection method: clinical testing. Allele origin: germline.
Comment: In summary, the available evidence is currently insufficient to determine the role of this variant in disease. Therefore, it has been classified as a Variant of Uncertain Significance. Algorithms developed to predict the effect of sequence changes on RNA splicing suggest that this variant may create or strengthen a splice site. Advanced modeling of protein sequence and biophysical properties (such as structural, functional, and spatial information, amino acid conservation, physicochemical variation, residue mobility, and thermodynamic stability) performed at Invitae indicates that this missense variant is not expected to disrupt ABHD12 protein function. ClinVar contains an entry for this variant (Variation ID: 337996). This variant has not been reported in the literature in individuals affected with ABHD12-related conditions. This variant is present in population databases (rs376230028, gnomAD 0.09%). This sequence change replaces isoleucine, which is neutral and non-polar, with phenylalanine, which is neutral and non-polar, at codon 112 of the ABHD12 protein (p.Ile112Phe).

Blueprint Genetics
Classification: Uncertain significance. Last evaluated: 2022-07-29. Review status: criteria provided, single submitter. Criteria: ACMG Guidelines, 2015. Collection method: clinical testing. Allele origin: germline.

Illumina Laboratory Services, Illumina
Classification: Uncertain significance for PHARC syndrome. Last evaluated: 2018-01-12. Review status: criteria provided, single submitter. Criteria: ICSL Variant Classification Criteria 13 December 2019. Collection method: clinical testing. Allele origin: germline.

NM_001042472.3(ABHD12):c.334A>T (p.Ile112Phe)

Gene: ABHD12 (abhydrolase domain containing 12, lysophospholipase; minus strand). Cytogenetic location: 20p11.21.
Variant type: single nucleotide variant.
Coding change: c.334A>T on transcript NM_001042472.3 (MANE Select); coding-DNA position 334, A replaced by T.
Protein change: p.Ile112Phe; replaces isoleucine 112 with phenylalanine.
Molecular consequence: missense variant.
Genome position (GRCh38, 1-based): chr20:25,323,413, T>A on the plus strand (A>T on the coding strand, the complement: ABHD12 is on the minus strand). VCF-style: chr20-25323413-T-A. GRCh37 (hg19) VCF-style: chr20-25304049-T-A.
Other names: c.334A>T, p.Ile112Phe (NM_015600.5); short protein forms I112F.
Identifiers: ClinVar variation 337996 (VCV000337996.13), dbSNP rs376230028, ClinGen allele CA9796175.
Genomic context (GRCh38, chr20:25,323,413, plus strand): 5'-GCTGCAGGTAGTAGTTACACGTGTGATTCAAACCTTGATCCTGTGGTTTTTTCAAATCAA[T>A]GAAATAGGGAACTCTTACTGTAGGAAATAAAGAGATGGAAATTAGGATTACTGGTGGATG-3'
Protein context (NP_001035937.1, residues 102-122): FLNFVRVPYF[Ile112Phe]DLKKPQDQGL